The following is an entry in ClinVar:

ClinVar aggregate classification (germline): Uncertain significance. Review status: criteria provided, multiple submitters, no conflicts (2 of 4 stars). 2 submissions from 2 submitters: Uncertain significance (2). Last evaluated 2024-10-30.

Submissions (2):

Labcorp Genetics (formerly Invitae), Labcorp
Classification: Uncertain significance. Last evaluated: 2024-10-30. Review status: criteria provided, single submitter. Criteria: Invitae Variant Classification Sherloc (09022015). Collection method: clinical testing. Allele origin: germline.
Comment: This sequence change replaces glycine, which is neutral and non-polar, with cysteine, which is neutral and slightly polar, at codon 198 of the ABCB7 protein (p.Gly198Cys). This variant is not present in population databases (gnomAD no frequency). This variant has not been reported in the literature in individuals affected with ABCB7-related conditions. An algorithm developed to predict the effect of missense changes on protein structure and function (PolyPhen-2) suggests that this variant is likely to be disruptive. In summary, the available evidence is currently insufficient to determine the role of this variant in disease. Therefore, it has been classified as a Variant of Uncertain Significance.

GeneDx
Classification: Uncertain significance. Last evaluated: 2024-10-23. Review status: criteria provided, single submitter. Criteria: GeneDx Variant Classification Process June 2021. Collection method: clinical testing. Allele origin: germline. Affected: yes.
Comment: Not observed at significant frequency in large population cohorts (gnomAD); In silico analysis supports that this missense variant has a deleterious effect on protein structure/function; Has not been previously published as pathogenic or benign to our knowledge

NM_001271696.3(ABCB7):c.589G>T (p.Gly197Cys)

Gene: ABCB7 (ATP binding cassette subfamily B member 7; minus strand). Cytogenetic location: Xq13.3.
Variant type: single nucleotide variant.
Coding change: c.589G>T on transcript NM_001271696.3 (MANE Select); coding-DNA position 589, G replaced by T.
Protein change: p.Gly197Cys; replaces glycine 197 with cysteine.
Molecular consequence: missense variant.
Genome position (GRCh38, 1-based): chrX:75,075,628, C>A on the plus strand (G>T on the coding strand, the complement: ABCB7 is on the minus strand). VCF-style: chrX-75075628-C-A. GRCh37 (hg19) VCF-style: chrX-74295463-C-A.
Other names: c.469G>T, p.Gly157Cys (NM_001271697.3); c.511G>T, p.Gly171Cys (NM_001271698.3); c.472G>T, p.Gly158Cys (NM_001271699.3); c.592G>T, p.Gly198Cys (NM_004299.6); c.592G>T (NM_004299.3); short protein forms G158C, G171C, G197C, G157C, G198C.
Identifiers: ClinVar variation 3642629 (VCV003642629.3).